The following is an entry in ClinVar:

ClinVar aggregate classification (germline): Uncertain significance (1 of 4 stars; one submission).

Submission:

Labcorp Genetics (formerly Invitae), Labcorp
Classification: Uncertain significance. Last evaluated: 2022-09-07. Review status: criteria provided, single submitter. Criteria: Invitae Variant Classification Sherloc (09022015). Collection method: clinical testing. Allele origin: germline.
Comment: This sequence change replaces histidine, which is basic and polar, with tyrosine, which is neutral and polar, at codon 69 of the SLC12A3 protein (p.His69Tyr). This variant is not present in population databases (gnomAD no frequency). This variant has not been reported in the literature in individuals affected with SLC12A3-related conditions. Advanced modeling of protein sequence and biophysical properties (such as structural, functional, and spatial information, amino acid conservation, physicochemical variation, residue mobility, and thermodynamic stability) performed at Invitae indicates that this missense variant is not expected to disrupt SLC12A3 protein function. In summary, the available evidence is currently insufficient to determine the role of this variant in disease. Therefore, it has been classified as a Variant of Uncertain Significance.

NM_001126108.2(SLC12A3):c.205C>T (p.His69Tyr)

Gene: SLC12A3 (solute carrier family 12 member 3; plus strand). Cytogenetic location: 16q13.
Variant type: single nucleotide variant.
Coding change: c.205C>T on transcript NM_001126108.2 (MANE Select); coding-DNA position 205, C replaced by T.
Protein change: p.His69Tyr; replaces histidine 69 with tyrosine.
Molecular consequence: missense variant.
Genome position (GRCh38, 1-based): chr16:56,865,440, C>T. VCF-style: chr16-56865440-C-T. GRCh37 (hg19) VCF-style: chr16-56899352-C-T.
Other names: c.205C>T, p.His69Tyr (NM_000339.3, NM_001126107.2, NM_001410896.1); short protein forms H69Y.
Identifiers: ClinVar variation 1903857 (VCV001903857.5), dbSNP rs780502516, ClinGen allele CA395977275.